The following is an entry in ClinVar:

ClinVar aggregate classification (germline): Uncertain significance (1 of 4 stars; one submission).

Submission:

GeneDx
Classification: Uncertain significance. Last evaluated: 2022-04-18. Review status: criteria provided, single submitter. Criteria: GeneDx Variant Classification Process June 2021. Collection method: clinical testing. Allele origin: germline. Affected: yes.
Comment: Not observed at significant frequency in large population cohorts (gnomAD); In silico analysis supports that this missense variant has a deleterious effect on protein structure/function; Has not been previously published as pathogenic or benign to our knowledge

NM_015001.3(SPEN):c.2210C>G (p.Pro737Arg)

Gene: SPEN (spen family transcriptional repressor; plus strand). Cytogenetic location: 1p36.13.
Variant type: single nucleotide variant.
Coding change: c.2210C>G on transcript NM_015001.3 (MANE Select); coding-DNA position 2210, C replaced by G.
Protein change: p.Pro737Arg; replaces proline 737 with arginine.
Molecular consequence: missense variant.
Genome position (GRCh38, 1-based): chr1:15,928,450, C>G. VCF-style: chr1-15928450-C-G. GRCh37 (hg19) VCF-style: chr1-16254945-C-G.
Other names: short protein forms P737R.
Identifiers: ClinVar variation 1711973 (VCV001711973.2), dbSNP rs2523073438, ClinGen allele CA338598830.
Genomic context (GRCh38, chr1:15,928,450, plus strand): 5'-ATGAGAGGAGGCCGATTGAACGAAGTCAAAGTCCTGTTCACTTGCGACGTCCACAGAGTC[C>G]TGGAGCGTCTCCCTCTCAGGCAGAGAGGTTGCCGAGTGATTCTGAGAGGAGGCTTTACAG-3'
Protein context (NP_055816.2, residues 727-747): SPVHLRRPQS[Pro737Arg]GASPSQAERL